The following is an entry in ClinVar:

NM_001103.4(ACTN2):c.786C>A (p.Ala262=)

Gene: ACTN2 (actinin alpha 2; plus strand). Cytogenetic location: 1q43.
Variant type: single nucleotide variant.
Coding change: c.786C>A on transcript NM_001103.4 (MANE Select); coding-DNA position 786, C replaced by A.
Protein change: p.Ala262=; no amino-acid change (alanine 262 retained).
Molecular consequence: synonymous variant. On other transcripts: non-coding transcript variant (1).
Genome position (GRCh38, 1-based): chr1:236,737,124, C>A. VCF-style: chr1-236737124-C-A. GRCh37 (hg19) VCF-style: chr1-236900424-C-A.
Other names: c.786C>A, p.Ala262= (NM_001278343.2).
Identifiers: ClinVar variation 3826285 (VCV003826285.1).

ClinVar aggregate classification (germline): Uncertain significance (1 of 4 stars; one submission).

Conditions:
Cardiovascular phenotype. Identifiers: MedGen CN230736.

Submission:

Ambry Genetics
Classification: Uncertain significance for Cardiovascular phenotype. Last evaluated: 2025-01-05. Review status: criteria provided, single submitter. Criteria: Ambry Variant Classification Scheme 2023. Collection method: clinical testing. Allele origin: germline.
Comment: The c.786C>A variant (also known as p.A262A), located in coding exon 9 of the ACTN2 gene, results from a C to A substitution at nucleotide position 786. This nucleotide substitution does not change the amino acid at codon 262. This nucleotide position is poorly conserved in available vertebrate species. In silico splice site analysis for this alteration is inconclusive. Based on the available evidence, the clinical significance of this variant remains unclear.